The following is an entry in ClinVar:

NM_147127.5(EVC2):c.2525C>G (p.Ser842Cys)

Gene: EVC2 (EvC ciliary complex subunit 2; minus strand). Cytogenetic location: 4p16.2.
Variant type: single nucleotide variant.
Coding change: c.2525C>G on transcript NM_147127.5 (MANE Select); coding-DNA position 2525, C replaced by G.
Protein change: p.Ser842Cys; replaces serine 842 with cysteine.
Molecular consequence: missense variant.
Genome position (GRCh38, 1-based): chr4:5,618,659, G>C on the plus strand (C>G on the coding strand, the complement: EVC2 is on the minus strand). VCF-style: chr4-5618659-G-C. GRCh37 (hg19) VCF-style: chr4-5620386-G-C.
Other names: c.2285C>G, p.Ser762Cys (NM_001166136.2); c.2525C>G (NM_147127.4); short protein forms S762C, S842C.
Identifiers: ClinVar variation 3759989 (VCV003759989.3).

ClinVar aggregate classification (germline): Uncertain significance. Review status: criteria provided, multiple submitters, no conflicts (2 of 4 stars). 2 submissions from 2 submitters: Uncertain significance (2). Last evaluated 2025-11-05.

Conditions:
Curry-Hall syndrome (WAD). Also called: WEYERS ACRODENTAL DYSOSTOSIS. Identifiers: Orphanet 952, MedGen C0457013, MONDO:0008673, OMIM 193530.
Ellis-van Creveld syndrome (EVC). Also called: EVC-Related Ellis-van Creveld Syndrome; EVC2-Related Ellis-van Creveld Syndrome; MESOECTODERMAL DYSPLASIA; Chondroectodermal dysplasia. Identifiers: Orphanet 289, MedGen C0013903, MONDO:0009162, OMIM 225500.
Inborn genetic diseases. Identifiers: MedGen C0950123, MeSH D030342.

gnomAD v4.1: 71 of 1,605,972 alleles (0.0044%); highest among the groups gnomAD compares: Non-Finnish European, 0.0058%; no homozygotes.

Submissions (2):

Ambry Genetics
Classification: Uncertain significance for Inborn genetic diseases. Last evaluated: 2025-11-05. Review status: criteria provided, single submitter. Criteria: Ambry Variant Classification Scheme 2023. Collection method: clinical testing. Allele origin: germline.

Labcorp Genetics (formerly Invitae), Labcorp
Classification: Uncertain significance for Curry-Hall syndrome; Ellis-van Creveld syndrome. Last evaluated: 2025-01-12. Review status: criteria provided, single submitter. Criteria: Invitae Variant Classification Sherloc (09022015). Collection method: clinical testing. Allele origin: germline.
Comment: This sequence change replaces serine, which is neutral and polar, with cysteine, which is neutral and slightly polar, at codon 842 of the EVC2 protein (p.Ser842Cys). This variant is present in population databases (rs750631490, gnomAD 0.004%). This variant has not been reported in the literature in individuals affected with EVC2-related conditions. An algorithm developed to predict the effect of missense changes on protein structure and function outputs the following: PolyPhen-2: "Benign". The cysteine amino acid residue is found in multiple mammalian species, which suggests that this missense change does not adversely affect protein function. In summary, the available evidence is currently insufficient to determine the role of this variant in disease. Therefore, it has been classified as a Variant of Uncertain Significance.